The following is an entry in ClinVar:

ClinVar aggregate classification (germline): Benign/Likely benign. Review status: criteria provided, multiple submitters, no conflicts (2 of 4 stars). 3 submissions from 3 submitters: Benign (1); Likely benign (2). Last evaluated 2026-06-01.

Conditions:
Inborn genetic diseases. Identifiers: MedGen C0950123, MeSH D030342.

Allele frequency attached by ClinVar (database versions not stated): gnomAD 0.00003; gnomAD exomes 0.00009 and 0.00064; TOPMed 0.00018; 1000 Genomes Project 0.00020; ExAC 0.00020; 1000 Genomes Project 30x 0.00031.

Submissions (3):

CeGaT Center for Human Genetics Tuebingen
Classification: Likely benign. Last evaluated: 2026-06-01. Review status: criteria provided, single submitter. Criteria: CeGaT Center For Human Genetics Tuebingen Variant Classification Criteria Version 2. Collection method: clinical testing. Allele origin: germline. Affected: yes. Observed: 1 variant allele.
Comment: SHANK3: BP4, BS1

GeneDx
Classification: Benign. Last evaluated: 2020-09-04. Review status: criteria provided, single submitter. Criteria: GeneDx Variant Classification Process June 2021. Collection method: clinical testing. Allele origin: germline. Affected: yes.

Ambry Genetics
Classification: Likely benign for Inborn genetic diseases. Last evaluated: 2016-09-14. Review status: criteria provided, single submitter. Criteria: Ambry Variant Classification Scheme 2023. Collection method: clinical testing. Allele origin: germline.

NM_001372044.2(SHANK3):c.2296C>T (p.Leu766=)

Gene: SHANK3 (SH3 and multiple ankyrin repeat domains 3; plus strand). Cytogenetic location: 22q13.33.
Variant type: single nucleotide variant.
Coding change: c.2296C>T on transcript NM_001372044.2 (MANE Select); coding-DNA position 2296, C replaced by T.
Protein change: p.Leu766=; no amino-acid change (leucine 766 retained).
Molecular consequence: synonymous variant.
Genome position (GRCh38, 1-based): chr22:50,706,113, C>T. VCF-style: chr22-50706113-C-T. GRCh37 (hg19) VCF-style: chr22-51144541-C-T.
Other names: c.2071C>T, p.Leu691= (NM_033517.1).
Identifiers: ClinVar variation 587765 (VCV000587765.9), dbSNP rs201094179, ClinGen allele CA10325759.